The following is an entry in ClinVar:

NM_015450.3(POT1):c.949+2T>G

Gene: POT1 (protection of telomeres 1; minus strand). Cytogenetic location: 7q31.33.
Variant type: single nucleotide variant.
Coding change: c.949+2T>G on transcript NM_015450.3 (MANE Select); the canonical splice donor site of the intron after coding-DNA position 949, T replaced by G.
Molecular consequence: splice donor variant.
Genome position (GRCh38, 1-based): chr7:124,851,870, A>C on the plus strand (T>G on the coding strand, the complement: POT1 is on the minus strand). VCF-style: chr7-124851870-A-C. GRCh37 (hg19) VCF-style: chr7-124491924-A-C.
Other names: c.949+2T>G (NM_015450.2); c.556+2T>G (NM_001042594.2).
Identifiers: ClinVar variation 1506089 (VCV001506089.7), dbSNP rs2116500720, ClinGen allele CA369054224.
Genomic context (GRCh38, chr7:124,851,870, plus strand): 5'-ATGTTGATAAAACTATTTTATTTAGCAAGAACTAAACTGTCAATGTTAAAGATTATCCTT[A>C]CTTGGAAAGCTGTCGTCAGGTTCTGATTGACAGATAACATCTGAATGCTGATTGGCTGTC-3'

ClinVar aggregate classification (germline): Likely pathogenic. Review status: criteria provided, multiple submitters, no conflicts (2 of 4 stars). 2 submissions from 2 submitters: Likely pathogenic (2). Last evaluated 2024-12-30.

Conditions:
Hereditary cancer-predisposing syndrome. Also called: Tumor predisposition; Neoplastic Syndromes, Hereditary; Hereditary Cancer Syndrome; Hereditary neoplastic syndrome. Identifiers: Orphanet 140162, MedGen C0027672, MeSH D009386, MONDO:0015356.
Tumor predisposition syndrome 3 (TPDS3). Also called: Melanoma, cutaneous malignant, susceptibility to, 10; LONG TELOMERE SYNDROME, POT1-RELATED; POT1 Tumor Predisposition; Glioma susceptibility 9. Identifiers: Orphanet 618, MedGen C4014476, MONDO:0014368, OMIM 615848.

Submissions (2):

Ambry Genetics
Classification: Likely pathogenic for Hereditary cancer-predisposing syndrome. Last evaluated: 2024-12-30. Review status: criteria provided, single submitter. Criteria: Ambry Variant Classification Scheme 2023. Collection method: clinical testing. Allele origin: germline.
Comment: The c.949+2T>G intronic variant results from a T to G substitution two nucleotides after coding exon 7 in the POT1 gene. This variant is considered to be rare based on population cohorts in the Genome Aggregation Database (gnomAD). This nucleotide position is highly conserved in available vertebrate species. In silico splice site analysis predicts that this alteration will weaken the native splice donor site; however, direct evidence is insufficient at this time (Ambry internal data). Alterations that disrupt the canonical splice site are expected to cause aberrant splicing, resulting in an abnormal protein or a transcript that is subject to nonsense-mediated mRNA decay. As such, this alteration is classified as likely pathogenic.

Labcorp Genetics (formerly Invitae), Labcorp
Classification: Likely pathogenic for Tumor predisposition syndrome 3. Last evaluated: 2024-10-01. Review status: criteria provided, single submitter. Criteria: Invitae Variant Classification Sherloc (09022015). Collection method: clinical testing. Allele origin: germline.
Comment: This sequence change affects a donor splice site in intron 11 of the POT1 gene. It is expected to disrupt RNA splicing. Variants that disrupt the donor or acceptor splice site typically lead to a loss of protein function (PMID: 16199547), and loss-of-function variants in POT1 are known to be pathogenic (PMID: 32155570). This variant is not present in population databases (gnomAD no frequency). This variant has not been reported in the literature in individuals affected with POT1-related conditions. ClinVar contains an entry for this variant (Variation ID: 1506089). Algorithms developed to predict the effect of sequence changes on RNA splicing suggest that this variant may disrupt the consensus splice site. In summary, the currently available evidence indicates that the variant is pathogenic, but additional data are needed to prove that conclusively. Therefore, this variant has been classified as Likely Pathogenic.

Literature cited by the submitters: PubMed 16199547 (cited by Labcorp Genetics (formerly Invitae), Labcorp); PubMed 32155570 (cited by Labcorp Genetics (formerly Invitae), Labcorp).